The following is an entry in ClinVar:

ClinVar aggregate classification (germline): Uncertain significance. Review status: criteria provided, multiple submitters, no conflicts (2 of 4 stars). 5 submissions from 5 submitters: Uncertain significance (5). Last evaluated 2025-04-09.

Conditions:
Cardiovascular phenotype. Identifiers: MedGen CN230736.
Hypertrophic cardiomyopathy 26. Also called: Cardiomyopathy, familial hypertrophic, 26. Identifiers: Orphanet 75249, MedGen C4310749, MONDO:0014883, OMIM 617047.
Distal myopathy with posterior leg and anterior hand involvement. Also called: WILLIAMS DISTAL MYOPATHY. Identifiers: Orphanet 63273, MedGen C3279722, MONDO:0013550, OMIM 614065.
Myofibrillar myopathy 5. Also called: Filaminopathy (type); FILAMINOPATHY, AUTOSOMAL DOMINANT. Identifiers: Orphanet 171445, MedGen C1836050, MONDO:0012289, OMIM 609524.

gnomAD v4.1: 6 of 1,614,116 alleles (0.00037%); highest among the groups gnomAD compares: Non-Finnish European, 0.00051%; no homozygotes.

Submissions (5):

Molecular Diagnostic Laboratory for Inherited Cardiovascular Disease, Montreal Heart Institute
Classification: Uncertain significance for Cardiovascular phenotype. Last evaluated: 2025-04-09. Review status: criteria provided, single submitter. Criteria: ACMG Guidelines, 2015. Collection method: clinical testing. Allele origin: germline. Affected: yes.
Comment: PM2, PP3

Blueprint Genetics
Classification: Uncertain significance. Last evaluated: 2024-05-15. Review status: criteria provided, single submitter. Criteria: ACMG Guidelines, 2015. Collection method: clinical testing. Allele origin: germline.

Ambry Genetics
Classification: Uncertain significance for Cardiovascular phenotype. Last evaluated: 2024-03-31. Review status: criteria provided, single submitter. Criteria: Ambry Variant Classification Scheme 2023. Collection method: clinical testing. Allele origin: germline.

Labcorp Genetics (formerly Invitae), Labcorp
Classification: Uncertain significance for Distal myopathy with posterior leg and anterior hand involvement; Myofibrillar myopathy 5; Hypertrophic cardiomyopathy 26. Last evaluated: 2023-02-01. Review status: criteria provided, single submitter. Criteria: Invitae Variant Classification Sherloc (09022015). Collection method: clinical testing. Allele origin: germline.
Comment: Advanced modeling of protein sequence and biophysical properties (such as structural, functional, and spatial information, amino acid conservation, physicochemical variation, residue mobility, and thermodynamic stability) has been performed at Invitae for this missense variant, however the output from this modeling did not meet the statistical confidence thresholds required to predict the impact of this variant on FLNC protein function. In summary, the available evidence is currently insufficient to determine the role of this variant in disease. Therefore, it has been classified as a Variant of Uncertain Significance. This sequence change replaces glycine, which is neutral and non-polar, with valine, which is neutral and non-polar, at codon 503 of the FLNC protein (p.Gly503Val). This variant is not present in population databases (gnomAD no frequency). This variant has not been reported in the literature in individuals affected with FLNC-related conditions. ClinVar contains an entry for this variant (Variation ID: 1208132).

GeneDx
Classification: Uncertain significance. Last evaluated: 2021-05-24. Review status: criteria provided, single submitter. Criteria: GeneDx Variant Classification Process June 2021. Collection method: clinical testing. Allele origin: germline. Affected: yes.
Comment: Has not been previously published as pathogenic or benign to our knowledge; Not observed in large population cohorts (Lek et al., 2016); In silico analysis supports that this missense variant has a deleterious effect on protein structure/function

NM_001458.5(FLNC):c.1508G>T (p.Gly503Val)

Gene: FLNC (filamin C; plus strand). Cytogenetic location: 7q32.1.
Variant type: single nucleotide variant.
Coding change: c.1508G>T on transcript NM_001458.5 (MANE Select); coding-DNA position 1508, G replaced by T.
Protein change: p.Gly503Val; replaces glycine 503 with valine.
Molecular consequence: missense variant.
Genome position (GRCh38, 1-based): chr7:128,840,119, G>T. VCF-style: chr7-128840119-G-T. GRCh37 (hg19) VCF-style: chr7-128480173-G-T.
Other names: c.1508G>T, p.Gly503Val (NM_001127487.2); short protein forms G503V.
Identifiers: ClinVar variation 1208132 (VCV001208132.11), dbSNP rs1483134760, ClinGen allele CA369225769.